The following is an entry in ClinVar:

NM_001098.3(ACO2):c.723G>A (p.Trp241Ter)

Gene: ACO2 (aconitase 2; plus strand). Cytogenetic location: 22q13.2.
Variant type: single nucleotide variant.
Coding change: c.723G>A on transcript NM_001098.3 (MANE Select); coding-DNA position 723, G replaced by A.
Protein change: p.Trp241Ter; replaces tryptophan 241 with a stop codon.
Molecular consequence: nonsense.
Genome position (GRCh38, 1-based): chr22:41,515,805, G>A. VCF-style: chr22-41515805-G-A. GRCh37 (hg19) VCF-style: chr22-41911809-G-A.
Other names: short protein forms W241*.
Identifiers: ClinVar variation 5006500 (VCV005006500.2).

ClinVar aggregate classification (germline): Likely pathogenic (1 of 4 stars; one submission).

Conditions:
Optic atrophy 9 (OPA9). Identifiers: MedGen C4225384, MONDO:0014571, OMIM 616289.
Infantile cerebellar-retinal degeneration (ICRD). Identifiers: Orphanet 313850, MedGen C3281192, MONDO:0013802, OMIM 614559.

Submission:

Juno Genomics, Hangzhou Juno Genomics, Inc
Classification: Likely pathogenic for Optic atrophy 9; Infantile cerebellar-retinal degeneration. Review status: criteria provided, single submitter. Criteria: ACMG Guidelines, 2015. Collection method: clinical testing. Allele origin: germline.
Comment: Null variant in a gene where loss of function (LOF) is a known mechanism of disease.;Absent from controls (or at extremely low frequency if recessive) in Genome Aggregation Database.